The following is an entry in ClinVar:

NM_001148.6(ANK2):c.11790C>G (p.Ile3930Met)

Gene: ANK2 (ankyrin 2; plus strand). Cytogenetic location: 4q26.
Variant type: single nucleotide variant.
Coding change: c.11790C>G on transcript NM_001148.6 (MANE Select); coding-DNA position 11790, C replaced by G.
Protein change: p.Ile3930Met; replaces isoleucine 3930 with methionine.
Molecular consequence: missense variant. On other transcripts: intron variant (9).
Genome position (GRCh38, 1-based): chr4:113,373,380, C>G. VCF-style: chr4-113373380-C-G. GRCh37 (hg19) VCF-style: chr4-114294536-C-G.
Other names: c.5508C>G, p.Ile1836Met (NM_001127493.3); c.5547C>G, p.Ile1849Met (NM_001354225.2); c.5529C>G, p.Ile1843Met (NM_001354228.2); c.5514C>G, p.Ile1838Met (NM_001354230.2); c.5670C>G, p.Ile1890Met (NM_001354231.2); c.5664C>G, p.Ile1888Met (NM_001354232.2); c.5625C>G, p.Ile1875Met (NM_001354235.2); c.5433C>G, p.Ile1811Met (NM_001354236.2); and 50 more; short protein forms I1028M, I1033M, I1684M, I1767M, I1781M, I1791M, I1812M, I1828M.
Identifiers: ClinVar variation 4729618 (VCV004729618.1).

ClinVar aggregate classification (germline): Uncertain significance (1 of 4 stars; one submission).

Conditions:
Long QT syndrome (LQTS). Identifiers: MedGen C0023976, MeSH D008133, MONDO:0002442. Disease mechanism: loss of function. Inheritance: Various modes of inheritance.

Submission:

Labcorp Genetics (formerly Invitae), Labcorp
Classification: Uncertain significance for Long QT syndrome. Last evaluated: 2025-10-26. Review status: criteria provided, single submitter. Criteria: Invitae Variant Classification Sherloc (09022015). Collection method: clinical testing. Allele origin: germline.
Comment: This sequence change replaces isoleucine, which is neutral and non-polar, with methionine, which is neutral and non-polar, at codon 3930 of the ANK2 protein (p.Ile3930Met). This variant is not present in population databases (gnomAD no frequency). This variant has not been reported in the literature in individuals affected with ANK2-related conditions. An algorithm developed to predict the effect of missense changes on protein structure and function (PolyPhen-2) suggests that this variant is likely to be disruptive. In summary, the available evidence is currently insufficient to determine the role of this variant in disease. Therefore, it has been classified as a Variant of Uncertain Significance.